The following is an entry in ClinVar:

ClinVar aggregate classification (germline): Uncertain significance (1 of 4 stars; one submission).

Conditions:
Cryopyrin associated periodic syndrome (CAPS). Identifiers: Orphanet 208650, MedGen C2316212, MONDO:0016168.

gnomAD v4.1: 2 of 1,614,054 alleles (0.00012%); highest among the groups gnomAD compares: East Asian, 0.0022%; no homozygotes.

Submission:

Labcorp Genetics (formerly Invitae), Labcorp
Classification: Uncertain significance for Cryopyrin associated periodic syndrome. Last evaluated: 2025-08-29. Review status: criteria provided, single submitter. Criteria: Invitae Variant Classification Sherloc (09022015). Collection method: clinical testing. Allele origin: germline.
Comment: This sequence change replaces tyrosine, which is neutral and polar, with cysteine, which is neutral and slightly polar, at codon 255 of the NLRP3 protein (p.Tyr255Cys). This variant is not present in population databases (gnomAD no frequency). This variant has not been reported in the literature in individuals affected with NLRP3-related conditions. Invitae Evidence Modeling of protein sequence and biophysical properties (such as structural, functional, and spatial information, amino acid conservation, physicochemical variation, residue mobility, and thermodynamic stability) indicates that this missense variant is expected to disrupt NLRP3 protein function with a positive predictive value of 95%. In summary, the available evidence is currently insufficient to determine the role of this variant in disease. Therefore, it has been classified as a Variant of Uncertain Significance.

NM_001243133.2(NLRP3):c.758A>G (p.Tyr253Cys)

Gene: NLRP3 (NLR family pyrin domain containing 3; plus strand). Cytogenetic location: 1q44.
Variant type: single nucleotide variant.
Coding change: c.758A>G on transcript NM_001243133.2 (MANE Select); coding-DNA position 758, A replaced by G.
Protein change: p.Tyr253Cys; replaces tyrosine 253 with cysteine.
Molecular consequence: missense variant.
Genome position (GRCh38, 1-based): chr1:247,424,207, A>G. VCF-style: chr1-247424207-A-G. GRCh37 (hg19) VCF-style: chr1-247587509-A-G.
Other names: c.758A>G, p.Tyr253Cys (NM_001079821.3, NM_001127461.3, NM_001127462.3 and 1 more transcripts); c.764A>G, p.Tyr255Cys (NM_004895.5); short protein forms Y253C, Y255C.
Identifiers: ClinVar variation 4780428 (VCV004780428.1).
Genomic context (GRCh38, chr1:247,424,207, plus strand): 5'-TGGCCAGGAAGATGATGTTGGACTGGGCGTCGGGGACACTCTACCAAGACAGGTTTGACT[A>G]TCTGTTCTATATCCACTGTCGAGAGGTGAGCCTTGTGACACAGAGGAGCCTGGGGGACCT-3'
Protein context (NP_001230062.1, residues 243-263): SGTLYQDRFD[Tyr253Cys]LFYIHCREVS